The following is an entry in ClinVar:

ClinVar aggregate classification (germline): Uncertain significance (1 of 4 stars; one submission).

Submission:

GeneDx
Classification: Uncertain significance. Last evaluated: 2017-06-21. Review status: criteria provided, single submitter. Criteria: GeneDx Variant Classification (06012015). Collection method: clinical testing. Allele origin: germline. Affected: yes.
Comment: The G1266W variant in the COL4A2 gene has not been reported previously as a pathogenic variant, nor as a benign variant, to our knowledge. This variant is not observed in large population cohorts (Lek et al., 2016; 1000 Genomes Consortium et al., 2015; Exome Variant Server). The G1266W variant is a semi-conservative amino acid substitution, which may impact secondary protein structure as these residues differ in some properties. This substitution occurs at a position that is conserved across species, and in silico analysis predicts this variant is probably damaging to the protein structure/function. We interpret G1266W as a variant of uncertain significance.

NM_001846.4(COL4A2):c.3796G>T (p.Gly1266Trp)

Gene: COL4A2 (collagen type IV alpha 2 chain; plus strand). Cytogenetic location: 13q34.
Variant type: single nucleotide variant.
Coding change: c.3796G>T on transcript NM_001846.4 (MANE Select); coding-DNA position 3796, G replaced by T.
Protein change: p.Gly1266Trp; replaces glycine 1266 with tryptophan.
Molecular consequence: missense variant.
Genome position (GRCh38, 1-based): chr13:110,501,703, G>T. VCF-style: chr13-110501703-G-T. GRCh37 (hg19) VCF-style: chr13-111154050-G-T.
Other names: short protein forms G1266W.
Identifiers: ClinVar variation 432921 (VCV000432921.2), dbSNP rs1555333415, ClinGen allele CA388734955.
Genomic context (GRCh38, chr13:110,501,703, plus strand): 5'-TAATTTCTTCTGTTTTCATCCTAAGGGGAACGAGGCCCACCTGGGAGCCCAGGACTTCAG[G>T]GGTTCCCTGGTATCACACCCCCTTCCAACATCTCTGGGGCACCTGGTGACAAAGGGGCGC-3'
Protein context (NP_001837.2, residues 1256-1276): RGPPGSPGLQ[Gly1266Trp]FPGITPPSNI